The following is an entry in ClinVar:

NM_000492.4(CFTR):c.2381T>A (p.Val794Glu)

Gene: CFTR (CF transmembrane conductance regulator; plus strand). Cytogenetic location: 7q31.2.
Variant type: single nucleotide variant.
Coding change: c.2381T>A on transcript NM_000492.4 (MANE Select); coding-DNA position 2381, T replaced by A.
Protein change: p.Val794Glu; replaces valine 794 with glutamic acid.
Molecular consequence: missense variant.
Genome position (GRCh38, 1-based): chr7:117,592,548, T>A. VCF-style: chr7-117592548-T-A. GRCh37 (hg19) VCF-style: chr7-117232602-T-A.
Other names: short protein forms V794E.
Identifiers: ClinVar variation 1790455 (VCV001790455.2), dbSNP rs2485110654, ClinGen allele CA368981093.

ClinVar aggregate classification (germline): Uncertain significance (1 of 4 stars; one submission).

Conditions:
Cystic fibrosis (CF). Also called: MUCOVISCIDOSIS. Identifiers: Orphanet 586, MedGen C0010674, MONDO:0009061, OMIM 219700. Disease mechanism: loss of function.

Submission:

Ambry Genetics
Classification: Uncertain significance for Cystic fibrosis. Last evaluated: 2021-11-25. Review status: criteria provided, single submitter. Criteria: Ambry Variant Classification Scheme 2023. Collection method: clinical testing. Allele origin: germline.
Comment: The p.V794E variant (also known as c.2381T>A), located in coding exon 14 of the CFTR gene, results from a T to A substitution at nucleotide position 2381. The valine at codon 794 is replaced by glutamic acid, an amino acid with dissimilar properties. This amino acid position is conserved. In addition, the in silico prediction for this alteration is inconclusive. Since supporting evidence is limited at this time, the clinical significance of this alteration remains unclear.